The following is an entry in ClinVar:

NM_018249.6(CDK5RAP2):c.3160T>C (p.Cys1054Arg)

Gene: CDK5RAP2 (CDK5 regulatory subunit associated protein 2; minus strand). Cytogenetic location: 9q33.2.
Variant type: single nucleotide variant.
Coding change: c.3160T>C on transcript NM_018249.6 (MANE Select); coding-DNA position 3160, T replaced by C.
Protein change: p.Cys1054Arg; replaces cysteine 1054 with arginine.
Molecular consequence: missense variant. On other transcripts: non-coding transcript variant (5).
Genome position (GRCh38, 1-based): chr9:120,439,961, A>G on the plus strand (T>C on the coding strand, the complement: CDK5RAP2 is on the minus strand). VCF-style: chr9-120439961-A-G. GRCh37 (hg19) VCF-style: chr9-123202239-A-G.
Other names: c.3160T>C, p.Cys1054Arg (NM_001011649.3); c.2470T>C, p.Cys824Arg (NM_001272039.2); c.3061T>C, p.Cys1021Arg (NM_001410992.1); c.3064T>C, p.Cys1022Arg (NM_001410993.1); c.3157T>C, p.Cys1053Arg (NM_001410994.1); short protein forms C1053R, C1054R, C1021R, C824R, C1022R.
Identifiers: ClinVar variation 2526610 (VCV002526610.4), dbSNP rs373461295, ClinGen allele CA199325165.
Genomic context (GRCh38, chr9:120,439,961, plus strand): 5'-TCAGAACATCTTCAGGATTTTCTTTGCATGATGGCAAGCTGGCAAGGTCATCAGGTGGGC[A>G]AATCTCAGAGTCTGAAAATCAAATACACTTATGTCAGTATCTCTTTTACTAAAATCCAAA-3'
Protein context (NP_060719.4, residues 1044-1064): QRSYEIDSEI[Cys1054Arg]PPDDLASLPS

ClinVar aggregate classification (germline): Uncertain significance. Review status: criteria provided, multiple submitters, no conflicts (2 of 4 stars). 2 submissions from 2 submitters: Uncertain significance (2). Last evaluated 2025-03-01.

Conditions:
Inborn genetic diseases. Identifiers: MedGen C0950123, MeSH D030342.

Allele frequency attached by ClinVar (database versions not stated): gnomAD 0.00003; TOPMed 0.00003; ESP Exome Variant Server 0.00008.

Submissions (2):

Labcorp Genetics (formerly Invitae), Labcorp
Classification: Uncertain significance. Last evaluated: 2025-03-01. Review status: criteria provided, single submitter. Criteria: Invitae Variant Classification Sherloc (09022015). Collection method: clinical testing. Allele origin: germline.
Comment: This sequence change replaces cysteine, which is neutral and slightly polar, with arginine, which is basic and polar, at codon 1054 of the CDK5RAP2 protein (p.Cys1054Arg). This variant is present in population databases (rs373461295, gnomAD 0.008%). This variant has not been reported in the literature in individuals affected with CDK5RAP2-related conditions. ClinVar contains an entry for this variant (Variation ID: 2526610). An algorithm developed to predict the effect of missense changes on protein structure and function outputs the following: PolyPhen-2: "Benign". The arginine amino acid residue is found in multiple mammalian species, which suggests that this missense change does not adversely affect protein function. In summary, the available evidence is currently insufficient to determine the role of this variant in disease. Therefore, it has been classified as a Variant of Uncertain Significance.

Ambry Genetics
Classification: Uncertain significance for Inborn genetic diseases. Last evaluated: 2023-03-20. Review status: criteria provided, single submitter. Criteria: Ambry Variant Classification Scheme 2023. Collection method: clinical testing. Allele origin: germline.